The following is an entry in ClinVar:

ClinVar aggregate classification (germline): Uncertain significance (1 of 4 stars; one submission).

Allele frequency attached by ClinVar (database versions not stated): gnomAD exomes below 0.00001.
gnomAD v4.1: 1 of 1,612,650 alleles (0.000062%); highest among the groups gnomAD compares: South Asian, 0.0011%; no homozygotes.

Submission:

Labcorp Genetics (formerly Invitae), Labcorp
Classification: Uncertain significance. Last evaluated: 2023-07-19. Review status: criteria provided, single submitter. Criteria: Invitae Variant Classification Sherloc (09022015). Collection method: clinical testing. Allele origin: germline.
Comment: In summary, the available evidence is currently insufficient to determine the role of this variant in disease. Therefore, it has been classified as a Variant of Uncertain Significance. Variants that disrupt the consensus splice site are a relatively common cause of aberrant splicing (PMID: 17576681, 9536098). Algorithms developed to predict the effect of sequence changes on RNA splicing suggest that this variant may disrupt the consensus splice site. This variant has been observed in individual(s) with clinical features of ERCC5-related conditions (Invitae). This variant is not present in population databases (gnomAD no frequency). This sequence change affects codon 176 of the ERCC5 mRNA. It is a 'silent' change, meaning that it does not change the encoded amino acid sequence of the ERCC5 protein. This variant also falls at the last nucleotide of exon 5, which is part of the consensus splice site for this exon.

Literature cited by the submitters: PubMed 17576681; PubMed 9536098.

NM_000123.4(ERCC5):c.528G>A (p.Gln176=)

Genes: BIVM-ERCC5 (BIVM-ERCC5 readthrough; plus strand), ERCC5 (ERCC excision repair 5, endonuclease; plus strand). Cytogenetic location: 13q33.1.
Variant type: single nucleotide variant.
Coding change: c.528G>A on transcript NM_000123.4 (MANE Select); coding-DNA position 528, G replaced by A.
Protein change: p.Gln176=; no amino-acid change (glutamine 176 retained).
Molecular consequence: synonymous variant.
Genome position (GRCh38, 1-based): chr13:102,856,112, G>A. VCF-style: chr13-102856112-G-A. GRCh37 (hg19) VCF-style: chr13-103508462-G-A.
Other names: c.1890G>A, p.Gln630= (NM_001204425.2).
Identifiers: ClinVar variation 2795275 (VCV002795275.3), dbSNP rs2501543160, ClinGen allele CA484776571.
Genomic context (GRCh38, chr13:102,856,112, plus strand): 5'-TTCAGAAGAGGAAGATGAAAAAGAATGGCAAGAAAGAATGAATCAAAAACAAGCATTACA[G>A]GTATTTAGATCATTTTTGAATTCAGAATGTATTCTGTTATTTGAAATGAATGACATGAAA-3'
Protein context (NP_000114.3, residues 166-186): QERMNQKQAL[Gln176=]EEFFHNPQAI